The following is an entry in ClinVar:

NM_001873.4(CPE):c.1423A>G (p.Asn475Asp)

Gene: CPE (carboxypeptidase E; plus strand). Cytogenetic location: 4q32.3.
Variant type: single nucleotide variant.
Coding change: c.1423A>G on transcript NM_001873.4 (MANE Select); coding-DNA position 1423, A replaced by G.
Protein change: p.Asn475Asp; replaces asparagine 475 with aspartic acid.
Molecular consequence: missense variant.
Genome position (GRCh38, 1-based): chr4:165,497,602, A>G. VCF-style: chr4-165497602-A-G. GRCh37 (hg19) VCF-style: chr4-166418754-A-G.
Other names: short protein forms N475D.
Identifiers: ClinVar variation 4990150 (VCV004990150.1).

ClinVar aggregate classification (germline): Uncertain significance (1 of 4 stars; one submission).

Conditions:
CPE-related disorder. Also called: CPE-related condition.

gnomAD v4.1: 3 of 1,560,464 alleles (0.00019%); highest among the groups gnomAD compares: Non-Finnish European, 0.00026%; no homozygotes.

Submission:

PreventionGenetics, part of Exact Sciences
Classification: Uncertain significance for CPE-related condition. Last evaluated: 2026-06-29. Review status: criteria provided, single submitter. Criteria: ACMG Guidelines, 2015. Collection method: clinical testing. Allele origin: germline.
Comment: The CPE c.1423A>G variant is predicted to result in the amino acid substitution p.Asn475Asp. To our knowledge, this variant has not been reported in the literature or in a large population database, indicating this variant is rare. At this time, the clinical significance of this variant is uncertain due to the absence of conclusive functional and genetic evidence.